The following is an entry in ClinVar:

ClinVar aggregate classification (germline): Uncertain significance (1 of 4 stars; one submission).

Submission:

GeneDx
Classification: Uncertain significance. Last evaluated: 2023-08-03. Review status: criteria provided, single submitter. Criteria: GeneDx Variant Classification Process June 2021. Collection method: clinical testing. Allele origin: germline. Affected: yes.
Comment: Not observed at significant frequency in large population cohorts (gnomAD); In silico analysis supports that this missense variant has a deleterious effect on protein structure/function; Has not been previously published as pathogenic or benign to our knowledge

NM_012470.4(TNPO3):c.247C>G (p.His83Asp)

Gene: TNPO3 (transportin 3; minus strand). Cytogenetic location: 7q32.1.
Variant type: single nucleotide variant.
Coding change: c.247C>G on transcript NM_012470.4 (MANE Select); coding-DNA position 247, C replaced by G.
Protein change: p.His83Asp; replaces histidine 83 with aspartic acid.
Molecular consequence: missense variant. On other transcripts: non-coding transcript variant (18).
Genome position (GRCh38, 1-based): chr7:129,018,031, G>C on the plus strand (C>G on the coding strand, the complement: TNPO3 is on the minus strand). VCF-style: chr7-129018031-G-C. GRCh37 (hg19) VCF-style: chr7-128658085-G-C.
Other names: c.247C>G, p.His83Asp (NM_001191028.3, NM_001382216.1, NM_001382217.1 and 6 more transcripts); short protein forms H83D.
Identifiers: ClinVar variation 3361700 (VCV003361700.1).